The following is an entry in ClinVar:

ClinVar aggregate classification (germline): Pathogenic (1 of 4 stars; one submission).

Submission:

Labcorp Genetics (formerly Invitae), Labcorp
Classification: Pathogenic. Last evaluated: 2023-07-26. Review status: criteria provided, single submitter. Criteria: Invitae Variant Classification Sherloc (09022015). Collection method: clinical testing. Allele origin: germline.
Comment: This sequence change creates a premature translational stop signal (p.Gln55*) in the CC2D1A gene. It is expected to result in an absent or disrupted protein product. Loss-of-function variants in CC2D1A are known to be pathogenic (PMID: 16033914). This variant is not present in population databases (gnomAD no frequency). This variant has not been reported in the literature in individuals affected with CC2D1A-related conditions. For these reasons, this variant has been classified as Pathogenic.

Literature cited by the submitters: PubMed 16033914.

NM_017721.5(CC2D1A):c.163C>T (p.Gln55Ter)

Gene: CC2D1A (coiled-coil and C2 domain containing 1A; plus strand). Cytogenetic location: 19p13.12.
Variant type: single nucleotide variant.
Coding change: c.163C>T on transcript NM_017721.5 (MANE Select); coding-DNA position 163, C replaced by T.
Protein change: p.Gln55Ter; replaces glutamine 55 with a stop codon.
Molecular consequence: nonsense.
Genome position (GRCh38, 1-based): chr19:13,909,925, C>T. VCF-style: chr19-13909925-C-T. GRCh37 (hg19) VCF-style: chr19-14020738-C-T.
Other names: c.163C>T, p.Gln55Ter (NM_001411138.1); short protein forms Q55*.
Identifiers: ClinVar variation 2747167 (VCV002747167.3), dbSNP rs2513061120, ClinGen allele CA404373781.